The following is an entry in ClinVar:

NM_001080421.3(UNC13A):c.2045-4C>T

Gene: UNC13A (unc-13 homolog A; minus strand). Cytogenetic location: 19p13.11.
Variant type: single nucleotide variant.
Coding change: c.2045-4C>T on transcript NM_001080421.3 (MANE Select); 4 bases into the intron before coding-DNA position 2045, C replaced by T.
Molecular consequence: intron variant.
Genome position (GRCh38, 1-based): chr19:17,646,115, G>A on the plus strand (C>T on the coding strand, the complement: UNC13A is on the minus strand). VCF-style: chr19-17646115-G-A. GRCh37 (hg19) VCF-style: chr19-17756924-G-A.
Other names: c.2039-4C>T (NM_001387022.1, NM_001387023.1, NM_001387021.1).
Identifiers: ClinVar variation 3047123 (VCV003047123.2), dbSNP rs368233582, ClinGen allele CA9298333.
Genomic context (GRCh38, chr19:17,646,115, plus strand): 5'-CATAGGGGTCACTGGATCCTGTCTTGTCCTTTGCCTGCAAGCCCTGGGCGCAGACCACTG[G>A]AAGACACAGAGGGCATACACAGGTGTGCACTCAAGAAGCGAGGCATGCTGGGGACAGTCA-3'

ClinVar aggregate classification (germline): Likely benign (0 of 4 stars; one submission).

Conditions:
UNC13A-related disorder. Also called: UNC13A-related condition.

Allele frequency attached by ClinVar (database versions not stated): gnomAD exomes 0.00002; ExAC 0.00003; gnomAD 0.00003; TOPMed 0.00005; ESP Exome Variant Server 0.00016.
gnomAD v4.1: 33 of 1,613,502 alleles (0.002%); highest among the groups gnomAD compares: Middle Eastern, 0.017%; no homozygotes.

Submission:

PreventionGenetics, part of Exact Sciences
Classification: Likely benign for UNC13A-related condition. Last evaluated: 2022-11-07. Review status: no assertion criteria provided. Collection method: clinical testing. Allele origin: germline.
Comment: This variant is classified as likely benign based on ACMG/AMP sequence variant interpretation guidelines (Richards et al. 2015 PMID: 25741868, with internal and published modifications).